The following is an entry in ClinVar:

ClinVar aggregate classification (germline): Uncertain significance (1 of 4 stars; one submission).

Conditions:
Rhabdoid tumor predisposition syndrome 2 (RTPS2). Identifiers: Orphanet 231108, Orphanet 69077, MedGen C2750074, MONDO:0013224, OMIM 613325.

Submission:

Labcorp Genetics (formerly Invitae), Labcorp
Classification: Uncertain significance for Rhabdoid tumor predisposition syndrome 2. Last evaluated: 2022-04-29. Review status: criteria provided, single submitter. Criteria: Invitae Variant Classification Sherloc (09022015). Collection method: clinical testing. Allele origin: germline.
Comment: In summary, the available evidence is currently insufficient to determine the role of this variant in disease. Therefore, it has been classified as a Variant of Uncertain Significance. Algorithms developed to predict the effect of missense changes on protein structure and function (SIFT, PolyPhen-2, Align-GVGD) all suggest that this variant is likely to be disruptive. ClinVar contains an entry for this variant (Variation ID: 1004690). This variant has not been reported in the literature in individuals affected with SMARCA4-related conditions. This variant is not present in population databases (gnomAD no frequency). This sequence change replaces glycine, which is neutral and non-polar, with alanine, which is neutral and non-polar, at codon 229 of the SMARCA4 protein (p.Gly229Ala).

NM_003072.5(SMARCA4):c.686G>C (p.Gly229Ala)

Gene: SMARCA4 (SWI/SNF related BAF chromatin remodeling complex subunit ATPase 4; plus strand). Cytogenetic location: 19p13.2.
Variant type: single nucleotide variant.
Coding change: c.686G>C on transcript NM_003072.5 (MANE Select); coding-DNA position 686, G replaced by C.
Protein change: p.Gly229Ala; replaces glycine 229 with alanine.
Molecular consequence: missense variant. On other transcripts: non-coding transcript variant (1).
Genome position (GRCh38, 1-based): chr19:10,986,519, G>C. VCF-style: chr19-10986519-G-C. GRCh37 (hg19) VCF-style: chr19-11097195-G-C.
Other names: c.686G>C, p.Gly229Ala (NM_001128844.3, NM_001128845.2, NM_001128846.2 and 4 more transcripts); short protein forms G229A.
Identifiers: ClinVar variation 1004690 (VCV001004690.8), dbSNP rs2086048500, ClinGen allele CA404056992.
Genomic context (GRCh38, chr19:10,986,519, plus strand): 5'-CGATGCCCGGGATGCAGCAGCAGATGCCAACGCTACCTCCACCCTCGGTGTCCGCAACAG[G>C]ACCCGGCCCTGGCCCTGGCCCTGGCCCCGGCCCGGGTCCCGGCCCGGCACCTCCAAATTA-3'
Protein context (NP_003063.2, residues 219-239): TLPPPSVSAT[Gly229Ala]PGPGPGPGPG